The following is an entry in ClinVar:

ClinVar aggregate classification (germline): Uncertain significance (1 of 4 stars; one submission).

Conditions:
Hereditary cancer-predisposing syndrome. Also called: Tumor predisposition; Hereditary Cancer Syndrome; Hereditary neoplastic syndrome; Neoplastic Syndromes, Hereditary. Identifiers: Orphanet 140162, MedGen C0027672, MeSH D009386, MONDO:0015356.

Submission:

Ambry Genetics
Classification: Uncertain significance for Hereditary cancer-predisposing syndrome. Last evaluated: 2023-07-27. Review status: criteria provided, single submitter. Criteria: Ambry Variant Classification Scheme 2023. Collection method: clinical testing. Allele origin: germline.
Comment: The p.G261A variant (also known as c.782G>C), located in coding exon 3 of the PHOX2B gene, results from a G to C substitution at nucleotide position 782. The glycine at codon 261 is replaced by alanine, an amino acid with similar properties. This amino acid position is conserved. In addition, the in silico prediction for this alteration is inconclusive. Since supporting evidence is limited at this time, the clinical significance of this alteration remains unclear.

NM_003924.4(PHOX2B):c.782G>C (p.Gly261Ala)

Gene: PHOX2B (paired like homeobox 2B; minus strand). Cytogenetic location: 4p13.
Variant type: single nucleotide variant.
Coding change: c.782G>C on transcript NM_003924.4 (MANE Select); coding-DNA position 782, G replaced by C.
Protein change: p.Gly261Ala; replaces glycine 261 with alanine.
Molecular consequence: missense variant.
Genome position (GRCh38, 1-based): chr4:41,745,970, C>G on the plus strand (G>C on the coding strand, the complement: PHOX2B is on the minus strand). VCF-style: chr4-41745970-C-G. GRCh37 (hg19) VCF-style: chr4-41747987-C-G.
Other names: short protein forms G261A.
Identifiers: ClinVar variation 2625349 (VCV002625349.2), dbSNP rs1733874037, ClinGen allele CA356737145.